The following is an entry in ClinVar:

NM_000138.5(FBN1):c.2945G>C (p.Cys982Ser)

Gene: FBN1 (fibrillin 1; minus strand). Cytogenetic location: 15q21.1.
Variant type: single nucleotide variant.
Coding change: c.2945G>C on transcript NM_000138.5 (MANE Select); coding-DNA position 2945, G replaced by C.
Protein change: p.Cys982Ser; replaces cysteine 982 with serine.
Molecular consequence: missense variant.
Genome position (GRCh38, 1-based): chr15:48,489,988, C>G on the plus strand (G>C on the coding strand, the complement: FBN1 is on the minus strand). VCF-style: chr15-48489988-C-G. GRCh37 (hg19) VCF-style: chr15-48782185-C-G.
Other names: short protein forms C982S.
Identifiers: ClinVar variation 392364 (VCV000392364.8), dbSNP rs1057524458, ClinGen allele CA16606970.

ClinVar aggregate classification (germline): Pathogenic/Likely pathogenic. Review status: criteria provided, multiple submitters, no conflicts (2 of 4 stars). 2 submissions from 2 submitters: Pathogenic (1); Likely pathogenic (1). Last evaluated 2020-03-08.

Conditions:
Marfan syndrome (MFS). Also called: Marfan syndrome, classic; Marfan syndrome type 1; Marfan's syndrome; MARFAN SYNDROME, TYPE I; FBN1-Related Marfan Syndrome. Identifiers: Orphanet 284963, Orphanet 558, MedGen C0024796, MONDO:0007947, OMIM 154700.
Familial thoracic aortic aneurysm and aortic dissection (TAAD). Also called: Thoracic aortic aneurysms and dissections. Identifiers: Orphanet 91387, MedGen C4707243, MONDO:0019625.

Submissions (2):

Labcorp Genetics (formerly Invitae), Labcorp
Classification: Pathogenic for Marfan syndrome; Familial thoracic aortic aneurysm and aortic dissection. Last evaluated: 2020-03-08. Review status: criteria provided, single submitter. Criteria: Invitae Variant Classification Sherloc (09022015). Collection method: clinical testing. Allele origin: germline.
Comment: For these reasons, this variant has been classified as Pathogenic. The p.Cys982 amino acid residue in FBN1 has been determined to be clinically significant (PMID: 26787436, 28550590). This suggests that variants that disrupt this residue are likely to be causative of disease. This variant affects a cysteine residue located within a TGFBP domain of the FBN1 protein. Cysteine residues in these domains are believed to be involved in intramolecular disulfide bridges and to be important for FBN1 structure. Although the exact function of the FBN1 TGFBP domains has not being elucidated (PMID: 10930463, 27437668), missense substitutions within the TGFBP domains affecting cysteine residues are significantly overrepresented among patients with Marfan syndrome (PMID: 16571647, 17701892). Algorithms developed to predict the effect of missense changes on protein structure and function do not agree on the potential impact of this missense change (SIFT: "Deleterious"; PolyPhen-2: "Possibly Damaging"; Align-GVGD: "Class C0"). ClinVar contains an entry for this variant (Variation ID: 392364). This variant is not present in population databases (ExAC no frequency). This sequence change replaces cysteine with serine at codon 982 of the FBN1 protein (p.Cys982Ser). The cysteine residue is highly conserved and there is a moderate physicochemical difference between cysteine and serine.

GeneDx
Classification: Likely pathogenic. Last evaluated: 2017-01-06. Review status: criteria provided, single submitter. Criteria: GeneDx Variant Classification (06012015). Collection method: clinical testing. Allele origin: germline. Affected: yes.
Comment: A novel C982S variant that is likely pathogenic was identified in the FBN1 gene. It has not been published as apathogenic variant, nor has it been reported as a benign variant to our knowledge. The C982S variant was notobserved in approximately 6,500 individuals of European and African American ancestry in the NHLBI ExomeSequencing Project, indicating it is not a common benign variant in these populations. The C982S variant is anon-conservative amino acid substitution, which is likely to impact secondary protein structure as these residues differin polarity, charge, size and/or other properties. This substitution occurs at a position that is conserved acrossspecies, and in silico analysis predicts this variant is probably damaging to the protein structure/function.Furthermore, a missense variant at the same residue (C982W) and in nearby residues (C980S, C980Y, C981S,S983F, V984I) have been reported in the Human Gene Mutation Database in association with Marfan syndrome(Stenson et al., 2014), supporting the functional importance of this region of the protein. Nevertheless, this variantlacks observation in a significant number of affected individuals, segregation data, and functional evidence, whichwould further clarify its pathogenicity.Therefore, this variant is likely pathogenic. In order to definitively determine its clinical significance, additional datais required.

Literature cited by the submitters: PubMed 26787436 (cited by Labcorp Genetics (formerly Invitae), Labcorp); PubMed 28550590 (cited by Labcorp Genetics (formerly Invitae), Labcorp); PubMed 10930463 (cited by Labcorp Genetics (formerly Invitae), Labcorp); PubMed 27437668 (cited by Labcorp Genetics (formerly Invitae), Labcorp); PubMed 16571647 (cited by Labcorp Genetics (formerly Invitae), Labcorp); PubMed 17701892 (cited by Labcorp Genetics (formerly Invitae), Labcorp).